The following is an entry in ClinVar:

ClinVar aggregate classification (germline): Likely benign. Review status: criteria provided, multiple submitters, no conflicts (2 of 4 stars). 3 submissions from 3 submitters: Likely benign (3). Last evaluated 2026-03-24.

Conditions:
Autosomal dominant childhood-onset proximal spinal muscular atrophy with contractures (SMALED2A). Also called: SPINAL MUSCULAR ATROPHY, LOWER EXTREMITY-PREDOMINANT, 2A, CHILDHOOD ONSET, AUTOSOMAL DOMINANT; Spinal muscular atrophy, lower extremity-predominant, 2A, autosomal dominant. Identifiers: Orphanet 363447, Orphanet 363454, MedGen C4747715, MONDO:0014121, OMIM 615290.

Allele frequency attached by ClinVar (database versions not stated): gnomAD exomes 0.00001 and 0.00003; ExAC 0.00003; gnomAD 0.00005; TOPMed 0.00006; ESP Exome Variant Server 0.00008.

Submissions (3):

Women's Health and Genetics/Laboratory Corporation of America, LabCorp
Classification: Likely benign. Last evaluated: 2026-03-24. Review status: criteria provided, single submitter. Criteria: LabCorp Variant Classification Summary - May 2015. Collection method: clinical testing. Allele origin: germline.
Comment: Variant summary: BICD2 c.2106+17dupC alters a nucleotide located at a position not widely known to affect splicing. Consensus agreement among computation tools predict no significant impact on normal splicing. However, these predictions have yet to be confirmed by functional studies. The variant allele was found at a frequency of 1.3e-05 in 238020 control chromosomes. The available data on variant occurrences in the general population are insufficient to allow any conclusion about variant significance. To our knowledge, no occurrence of c.2106+17dupC in individuals affected with BICD2-related conditions and no experimental evidence demonstrating its impact on protein function have been reported. ClinVar contains an entry for this variant (Variation ID: 1626815). Based on the evidence outlined above, the variant was classified as likely benign.

Labcorp Genetics (formerly Invitae), Labcorp
Classification: Likely benign for Autosomal dominant childhood-onset proximal spinal muscular atrophy with contractures. Last evaluated: 2025-04-17. Review status: criteria provided, single submitter. Criteria: Invitae Variant Classification Sherloc (09022015). Collection method: clinical testing. Allele origin: germline.

ARUP Laboratories, Molecular Genetics and Genomics, ARUP Laboratories
Classification: Likely benign. Last evaluated: 2024-07-31. Review status: criteria provided, single submitter. Criteria: ARUP Molecular Germline Variant Investigation Process 2024. Collection method: clinical testing. Allele origin: germline.

NM_001003800.2(BICD2):c.2106+17dup

Gene: BICD2 (BICD cargo adaptor 2; minus strand). Cytogenetic location: 9q22.31.
Variant type: Duplication.
Coding change: c.2106+17dup on transcript NM_001003800.2 (MANE Select); 17 bases into the intron after coding-DNA position 2106, one base duplicated (C; older notation c.2106+17dupC).
Molecular consequence: intron variant.
Genome position (GRCh38, 1-based): chr9:92,718,522, G duplicated on the plus strand (C on the coding strand, the reverse complement: BICD2 is on the minus strand). VCF-style (leftmost placement, unchanged base first): chr9-92718521-T-TG. GRCh37 (hg19) VCF-style: chr9-95480803-T-TG.
Other names: c.2106+17dup (NM_015250.4); c.2106+17dupC (NM_001003800.2).
Identifiers: ClinVar variation 1626815 (VCV001626815.10), dbSNP rs751046774, ClinGen allele CA5126408.